The following is an entry in ClinVar:

ClinVar aggregate classification (germline): Uncertain significance (1 of 4 stars; one submission).

Conditions:
Cardiovascular phenotype. Identifiers: MedGen CN230736.

Allele frequency attached by ClinVar (database versions not stated): gnomAD 0.00001; gnomAD exomes 0.00001; TOPMed 0.00002; ExAC 0.00003.
gnomAD v4.1: 11 of 1,612,086 alleles (0.00068%); highest among the groups gnomAD compares: Non-Finnish European, 0.00093%; no homozygotes.

Submission:

Ambry Genetics
Classification: Uncertain significance for Cardiovascular phenotype. Last evaluated: 2019-11-22. Review status: criteria provided, single submitter. Criteria: Ambry Variant Classification Scheme 2023. Collection method: clinical testing. Allele origin: germline.
Comment: The p.D18809E variant (also known as c.56427T>G), located in coding exon 153 of the TTN gene, results from a T to G substitution at nucleotide position 56427. The aspartic acid at codon 18809 is replaced by glutamic acid, an amino acid with highly similar properties. This amino acid position is highly conserved in available vertebrate species. In addition, this alteration is predicted to be tolerated by in silico analysis. Since supporting evidence is limited at this time, the clinical significance of this alteration remains unclear.

NM_001267550.2(TTN):c.83622T>G (p.Asp27874Glu)

Genes: TTN (titin; minus strand), TTN-AS1 (TTN antisense RNA 1; plus strand). Cytogenetic location: 2q31.2.
Variant type: single nucleotide variant.
Coding change: c.83622T>G on transcript NM_001267550.2 (MANE Select); coding-DNA position 83622, T replaced by G.
Protein change: p.Asp27874Glu; replaces aspartic acid 27874 with glutamic acid.
Molecular consequence: missense variant.
Genome position (GRCh38, 1-based): chr2:178,562,510, A>C on the plus strand (T>G on the coding strand, the complement: TTN is on the minus strand). VCF-style: chr2-178562510-A-C. GRCh37 (hg19) VCF-style: chr2-179427237-A-C.
Other names: c.78699T>G, p.Asp26233Glu (NM_001256850.1); c.56427T>G, p.Asp18809Glu (NM_003319.4); c.75918T>G, p.Asp25306Glu (NM_133378.4); c.56802T>G, p.Asp18934Glu (NM_133432.3); c.57003T>G, p.Asp19001Glu (NM_133437.4); short protein forms D18809E, D18934E, D26233E, D19001E, D25306E, D27874E.
Identifiers: ClinVar variation 1748802 (VCV001748802.2), dbSNP rs771240950, ClinGen allele CA1988895.